The following is an entry in ClinVar:

ClinVar aggregate classification (germline): Likely benign. Review status: criteria provided, multiple submitters, no conflicts (2 of 4 stars). 2 submissions from 2 submitters: Likely benign (2). Last evaluated 2026-01-20.

Conditions:
TH-deficient dopa-responsive dystonia. Also called: Tyrosine Hydroxylase-Deficient Dopa-Responsive Dystonia; DYT-TH; Segawa syndrome, autosomal recessive. Identifiers: Orphanet 101150, MedGen C2673535, MONDO:0011551, OMIM 605407.

gnomAD v4.1: 29 of 1,613,296 alleles (0.0018%); highest among the groups gnomAD compares: East Asian, 0.0067%; no homozygotes.

Submissions (2):

Labcorp Genetics (formerly Invitae), Labcorp
Classification: Likely benign for TH-deficient dopa-responsive dystonia. Last evaluated: 2026-01-20. Review status: criteria provided, single submitter. Criteria: Invitae Variant Classification Sherloc (09022015). Collection method: clinical testing. Allele origin: germline.

CeGaT Center for Human Genetics Tuebingen
Classification: Likely benign. Last evaluated: 2023-11-01. Review status: criteria provided, single submitter. Criteria: CeGaT Center For Human Genetics Tuebingen Variant Classification Criteria Version 2. Collection method: clinical testing. Allele origin: germline. Affected: yes. Observed: 1 variant allele.
Comment: TH: BP4, BP7

NM_000360.4(TH):c.282G>A (p.Ser94=)

Gene: TH (tyrosine hydroxylase; minus strand). Cytogenetic location: 11p15.5.
Variant type: single nucleotide variant.
Coding change: c.282G>A on transcript NM_000360.4 (MANE Select); coding-DNA position 282, G replaced by A.
Protein change: p.Ser94=; no amino-acid change (serine 94 retained).
Molecular consequence: synonymous variant.
Genome position (GRCh38, 1-based): chr11:2,169,680, C>T on the plus strand (G>A on the coding strand, the complement: TH is on the minus strand). VCF-style: chr11-2169680-C-T. GRCh37 (hg19) VCF-style: chr11-2190910-C-T.
Other names: c.375G>A, p.Ser125= (NM_199292.3); c.363G>A, p.Ser121= (NM_199293.3).
Identifiers: ClinVar variation 1591933 (VCV001591933.31), dbSNP rs75348531, ClinGen allele CA5818742.
Genomic context (GRCh38, chr11:2,169,680, plus strand): 5'-GCCCCAGGGACACGAAGGCCACCAGCTCACCTCAAACACCTTCACAGCTCGGGACAGCGC[C>T]GAGGGCTTGGTGGCCCTCGGGGAGAAGAGCAGGTTTAGCACGGCCTTCCCCTCCTTCTCC-3'
Protein context (NP_000351.2, residues 84-104): LLFSPRATKP[Ser94=]ALSRAVKVFE